The following is an entry in ClinVar:

NM_024105.4(ALG12):c.502G>A (p.Glu168Lys)

Gene: ALG12 (ALG12 alpha-1,6-mannosyltransferase; minus strand). Cytogenetic location: 22q13.33.
Variant type: single nucleotide variant.
Coding change: c.502G>A on transcript NM_024105.4 (MANE Select); coding-DNA position 502, G replaced by A.
Protein change: p.Glu168Lys; replaces glutamic acid 168 with lysine.
Molecular consequence: missense variant.
Genome position (GRCh38, 1-based): chr22:49,910,056, C>T on the plus strand (G>A on the coding strand, the complement: ALG12 is on the minus strand). VCF-style: chr22-49910056-C-T. GRCh37 (hg19) VCF-style: chr22-50303704-C-T.
Other names: short protein forms E168K.
Identifiers: ClinVar variation 1488636 (VCV001488636.5), dbSNP rs754565538, ClinGen allele CA10300568.
Genomic context (GRCh38, chr22:49,910,056, plus strand): 5'-ACAGCTCCACCCTGAACACGATGATGGCGAAGGCTGACAGCCAGATGAAGCGGGCCCACT[C>T]GTGCCGCAGCCAGGCCGCGAGGGCCAGCAGGACTGCAAGACAGTGCGGGAGGGTGCTCGT-3'
Protein context (NP_077010.1, residues 158-178): LLALAAWLRH[Glu168Lys]WARFIWLSAF

ClinVar aggregate classification (germline): Uncertain significance (1 of 4 stars; one submission).

Conditions:
ALG12-congenital disorder of glycosylation (CDG1G). Also called: CDG Ig; ALG12-CDG; Congenital disorder of glycosylation, type Ig. Identifiers: Orphanet 79324, MedGen C2931001, MONDO:0011783, OMIM 607143.

Allele frequency attached by ClinVar (database versions not stated): gnomAD 0.00003; ExAC 0.00004; gnomAD exomes 0.00005; TOPMed 0.00005.
gnomAD v4.1: 30 of 1,612,028 alleles (0.0019%); highest among the groups gnomAD compares: Admixed American, 0.015%; no homozygotes.

Submission:

Labcorp Genetics (formerly Invitae), Labcorp
Classification: Uncertain significance for ALG12-congenital disorder of glycosylation. Last evaluated: 2022-10-13. Review status: criteria provided, single submitter. Criteria: Invitae Variant Classification Sherloc (09022015). Collection method: clinical testing. Allele origin: germline.
Comment: This sequence change replaces glutamic acid, which is acidic and polar, with lysine, which is basic and polar, at codon 168 of the ALG12 protein (p.Glu168Lys). This variant is present in population databases (rs754565538, gnomAD 0.02%). This variant has not been reported in the literature in individuals affected with ALG12-related conditions. ClinVar contains an entry for this variant (Variation ID: 1488636). Advanced modeling of protein sequence and biophysical properties (such as structural, functional, and spatial information, amino acid conservation, physicochemical variation, residue mobility, and thermodynamic stability) performed at Invitae indicates that this missense variant is not expected to disrupt ALG12 protein function. In summary, the available evidence is currently insufficient to determine the role of this variant in disease. Therefore, it has been classified as a Variant of Uncertain Significance.